The following is an entry in ClinVar:

ClinVar aggregate classification (germline): Pathogenic/Likely pathogenic. Review status: criteria provided, multiple submitters, no conflicts (2 of 4 stars). 11 submissions from 11 submitters: Pathogenic (6); Likely pathogenic (5). Last evaluated 2025-07-17.

Conditions:
WWOX-related disorder. Also called: WWOX-related condition.
Developmental and epileptic encephalopathy, 1 (DEE1). Also called: X-linked infantile spasms; West's syndrome; Tonic spasms with clustering, arrest of psychomotor development and hypsarrhythmia on EEG; X-Linked Infantile Spasm Syndrome; INFANTILE SPASM SYNDROME, X-LINKED 1; Epileptic encephalopathy, early infantile, 1. Identifiers: MedGen C3463992, MONDO:0010632, OMIM 308350. Disease mechanism: loss of function.
Autosomal recessive spinocerebellar ataxia 12. Also called: SPINOCEREBELLAR ATAXIA WITH MENTAL RETARDATION AND EPILEPSY. Identifiers: Orphanet 284282, MedGen C3280452, MONDO:0013687, OMIM 614322.
Developmental and epileptic encephalopathy, 28 (DEE28). Also called: Epileptic encephalopathy, early infantile, 28. Identifiers: Orphanet 442835, MedGen C4015519, MONDO:0014533, OMIM 616211.
Autosomal recessive WWOX-related disorders.
West syndrome. Also called: Infantile epileptic spasms syndrome. Identifiers: Orphanet 3451, Orphanet 697160, MedGen C0037769, MONDO:0018097. Disease mechanism: loss of function.

Allele frequency attached by ClinVar (database versions not stated): TOPMed below 0.00001.
gnomAD v4.1: 3 of 1,561,792 alleles (0.00019%); highest among the groups gnomAD compares: Admixed American, 0.0057%; no homozygotes.

Submissions (11):

Variantyx, Inc.
Classification: Likely pathogenic for Autosomal recessive WWOX-related disorders. Last evaluated: 2025-07-17. Review status: criteria provided, single submitter. Criteria: Variantyx Assertion Criteria 2022. Collection method: clinical testing. Allele origin: germline. Inheritance: Autosomal recessive inheritance. Affected: no.
Comment: This is a canonical splicing variant in the WWOX gene (OMIM: 605131). Pathogenic variants in this gene have been associated with autosomal recessive WWOX-related disorders. This splicing variant is expected to result in loss of function, which is a known disease mechanism for WWOX in this disorder (PMID: 36537114) (PVS1). It has been reported in the compound heterozygous state in at least one affected individual (PMID:36537114), and it has a 0.0084% maximum allele frequency in non-founder control populations (PM2). Based on the current evidence, this variant is classified as likely pathogenic for autosomal recessive WWOX-related disorders.

Labcorp Genetics (formerly Invitae), Labcorp
Classification: Pathogenic for Developmental and epileptic encephalopathy, 1; Autosomal recessive spinocerebellar ataxia 12. Last evaluated: 2025-02-24. Review status: criteria provided, single submitter. Criteria: Invitae Variant Classification Sherloc (09022015). Collection method: clinical testing. Allele origin: germline.
Comment: This sequence change affects a donor splice site in intron 1 of the WWOX gene. It is expected to disrupt RNA splicing. Variants that disrupt the donor or acceptor splice site typically lead to a loss of protein function (PMID: 16199547), and loss-of-function variants in WWOX are known to be pathogenic (PMID: 24456803, 25411445). This variant is not present in population databases (gnomAD no frequency). Disruption of this splice site has been observed in individual(s) with clinical features of WWOX-related conditions (PMID: 36537114). In at least one individual the data is consistent with being in trans (on the opposite chromosome) from a pathogenic variant. ClinVar contains an entry for this variant (Variation ID: 689796). Algorithms developed to predict the effect of sequence changes on RNA splicing suggest that this variant may disrupt the consensus splice site. For these reasons, this variant has been classified as Pathogenic.

Dasa
Classification: Likely pathogenic. Last evaluated: 2025-02-08. Review status: criteria provided, single submitter. Criteria: DASA Assertion Criteria. Collection method: clinical testing. Allele origin: germline.
Comment: NM_016373.4(WWOX):c.107+1G>A affects a canonical splice site and is predicted to disrupt normal RNA splicing. Loss of function is an established disease mechanism for WWOX-associated disorders. Also, this variant is rare in population databases. Based on the currently available evidence, this variant is classified as likely pathogenic.

Kids Research, The Children's Hospital at Westmead
Classification: Pathogenic for Developmental and epileptic encephalopathy, 28. Last evaluated: 2024-09-20. Review status: criteria provided, single submitter. Criteria: ACMG Guidelines, 2015. Collection method: research. Allele origin: germline. Affected: yes.
Comment: PVS1, PM2, PM3_Strong

3billion
Classification: Pathogenic for WWOX-related disorder. Last evaluated: 2024-07-25. Review status: criteria provided, single submitter. Criteria: ACMG Guidelines, 2015. Collection method: clinical testing. Allele origin: germline. Affected: yes.
Comment: The variant is observed at an extremely low frequency in the gnomAD v4.0.0 dataset (total allele frequency: <0.001%). Predicted Consequence/Location: Canonical splice site: predicted to alter splicing and result in a loss or disruption of normal protein function. Multiple pathogenic loss-of-function variants are reported downstream of the variant. In silico tools predict the variant to alter splicing and produce an abnormal transcript [SpliceAI: 0.95 (spliceogenicity >=0.2, non-spliceogenicity <0.1)]. The variant has been reported at least twice as pathogenic (ClinVar ID: VCV000689796 /PMID: 31216405). Therefore, this variant is classified as Pathogenic according to the recommendation of ACMG/AMP guideline.

Unidad de Genómica Garrahan, Hospital de Pediatría Garrahan
Classification: Pathogenic for West syndrome. Last evaluated: 2023-12-15. Review status: criteria provided, single submitter. Criteria: ACMG Guidelines, 2015. Collection method: clinical testing. Allele origin: maternal. Affected: yes. Observed: 1 variant allele.
Comment: Zygosity: Compound heterozygous with a deletion spanning exons 1-5 in the WWOX gene.

GeneDx
Classification: Likely pathogenic. Last evaluated: 2023-03-24. Review status: criteria provided, single submitter. Criteria: GeneDx Variant Classification Process June 2021. Collection method: clinical testing. Allele origin: germline. Affected: yes.
Comment: Reported with a second WWOX variant, phase unknown, in a patient undergoing re-analysis of clinical exome sequencing data, however detailed clinical information was not provided (Liu et al., 2019); Canonical splice site variant predicted to result in a null allele in a gene for which loss of function is a known mechanism of disease; Not observed at significant frequency in large population cohorts (gnomAD); This variant is associated with the following publications: (PMID: 31216405)

Blueprint Genetics
Classification: Likely pathogenic for WWOX-related disorders. Last evaluated: 2021-05-06. Review status: criteria provided, single submitter. Criteria: ACMG Guidelines, 2015. Collection method: clinical testing. Allele origin: germline. Affected: yes. Observed: 2 variant alleles.

Laboratorio de Genetica e Diagnostico Molecular, Hospital Israelita Albert Einstein
Classification: Likely pathogenic. Last evaluated: 2019-11-01. Review status: criteria provided, single submitter. Criteria: ACMG Guidelines, 2015. Collection method: clinical testing. Allele origin: germline. Affected: yes.
Comment: ACMG classification criteria: PVS1, PM2

Mendelics
Classification: Pathogenic for Developmental and epileptic encephalopathy, 1. Last evaluated: 2019-05-28. Review status: criteria provided, single submitter. Criteria: Mendelics Assertion Criteria 2017. Collection method: clinical testing. Allele origin: unknown.

Baylor Genetics
Classification: Pathogenic for Developmental and epileptic encephalopathy, 28; Autosomal recessive spinocerebellar ataxia 12. Last evaluated: 2017-12-31. Review status: criteria provided, single submitter. Criteria: ACMG Guidelines, 2015. Collection method: clinical testing. Allele origin: germline. Affected: yes.

Literature cited by the submitters: PubMed 36537114 (cited by Variantyx, Inc. and Labcorp Genetics (formerly Invitae), Labcorp); PubMed 25411445 (cited by Variantyx, Inc. and Labcorp Genetics (formerly Invitae), Labcorp); PubMed 16199547 (cited by Labcorp Genetics (formerly Invitae), Labcorp); PubMed 24456803 (cited by Labcorp Genetics (formerly Invitae), Labcorp); PubMed 31216405 (cited by 3billion).

NM_016373.4(WWOX):c.107+1G>A

Gene: WWOX (WW domain containing oxidoreductase; plus strand). Cytogenetic location: 16q23.1.
Variant type: single nucleotide variant.
Coding change: c.107+1G>A on transcript NM_016373.4 (MANE Select); the canonical splice donor site of the intron after coding-DNA position 107, G replaced by A.
Molecular consequence: splice donor variant. On other transcripts: non-coding transcript variant (2).
Genome position (GRCh38, 1-based): chr16:78,099,886, G>A. VCF-style: chr16-78099886-G-A. GRCh37 (hg19) VCF-style: chr16-78133783-G-A.
Other names: c.-168+1G>A (NM_001291997.2); c.107+1G>A (NM_130791.5).
Identifiers: ClinVar variation 689796 (VCV000689796.21), dbSNP rs1300924648, ClinGen allele CA396841957.